The following is an entry in ClinVar:

NM_052844.4(DYNC2I2):c.263_303dup (p.Gln102fs)

Gene: DYNC2I2 (dynein 2 intermediate chain 2; minus strand). Cytogenetic location: 9q34.11.
Variant type: Duplication.
Coding change: c.263_303dup on transcript NM_052844.4 (MANE Select); coding-DNA positions 263 to 303, 41 bases duplicated.
Protein change: p.Gln102fs; shifts the reading frame from glutamine 102.
Molecular consequence: frameshift variant.
Genome position (GRCh38, 1-based): chr9:128,640,823-128,640,863, 41 bases duplicated; duplicating any 41 consecutive bases within chr9:128,640,823-128,640,864 gives the same sequence; the c. name uses the placement nearest the transcript's 3' end. GRCh37 (hg19): chr9:131,403,103-131,403,143.
Other names: short protein forms Q102fs.
Identifiers: ClinVar variation 4724808 (VCV004724808.1).
Genomic context (GRCh38, chr9:128,640,822, plus strand): 5'-CTCGGATGACCATGGCCTCCACTCTCCGAAGAAAGGCTGCGAGCCTGGGTATGTCATACT[G>GGGACGGGGGCTGCACGCTGACAGGCACGGGGGCCTCCGTCT]GGACGGGGGCTGCACGCTGACAGGCACGGGGGCCTCCGTCTGCACCTGGGCGTCCACATG-3'

ClinVar aggregate classification (germline): Pathogenic (1 of 4 stars; one submission).

Conditions:
Short-rib thoracic dysplasia 11 with or without polydactyly (SRTD11). Also called: SHORT-RIB THORACIC DYSPLASIA 11 WITHOUT POLYDACTYLY. Identifiers: Orphanet 474, Orphanet 93271, MedGen C3810200, MONDO:0014287, OMIM 615633.

Submission:

Labcorp Genetics (formerly Invitae), Labcorp
Classification: Pathogenic for Short-rib thoracic dysplasia 11 with or without polydactyly. Last evaluated: 2025-08-04. Review status: criteria provided, single submitter. Criteria: Invitae Variant Classification Sherloc (09022015). Collection method: clinical testing. Allele origin: germline.
Comment: This sequence change creates a premature translational stop signal (p.Gln102Argfs*36) in the WDR34 gene. It is expected to result in an absent or disrupted protein product. Loss-of-function variants in WDR34 are known to be pathogenic (PMID: 24183449, 24183451, 28379358). This variant is not present in population databases (gnomAD no frequency). This variant has not been reported in the literature in individuals affected with WDR34-related conditions. For these reasons, this variant has been classified as Pathogenic.

Literature cited by the submitters: PubMed 24183449; PubMed 24183451; PubMed 28379358.